The following is an entry in ClinVar:

NM_015338.6(ASXL1):c.3637C>G (p.Leu1213Val)

Gene: ASXL1 (ASXL transcriptional regulator 1; plus strand). Cytogenetic location: 20q11.21.
Variant type: single nucleotide variant.
Coding change: c.3637C>G on transcript NM_015338.6 (MANE Select); coding-DNA position 3637, C replaced by G.
Protein change: p.Leu1213Val; replaces leucine 1213 with valine.
Molecular consequence: missense variant.
Genome position (GRCh38, 1-based): chr20:32,436,349, C>G. VCF-style: chr20-32436349-C-G. GRCh37 (hg19) VCF-style: chr20-31024152-C-G.
Other names: c.3454C>G, p.Leu1152Val (NM_001363734.1); short protein forms L1152V, L1213V.
Identifiers: ClinVar variation 5030001 (VCV005030001.1).

ClinVar aggregate classification (germline): Uncertain significance (1 of 4 stars; one submission).

Conditions:
Inborn genetic diseases. Identifiers: MedGen C0950123, MeSH D030342.

gnomAD v4.1: 2 of 1,613,838 alleles (0.00012%); highest among the groups gnomAD compares: Non-Finnish European, 0.00017%; no homozygotes.

Submission:

Ambry Genetics
Classification: Uncertain significance for Inborn genetic diseases. Last evaluated: 2026-07-23. Review status: criteria provided, single submitter. Criteria: Ambry Variant Classification Scheme 2023. Collection method: clinical testing. Allele origin: germline.
Comment: The p.L1213V variant (also known as c.3637C>G), located in coding exon 13 of the ASXL1 gene, results from a C to G substitution at nucleotide position 3637. The leucine at codon 1213 is replaced by valine, an amino acid with highly similar properties. This amino acid position is conserved. In addition, this alteration is predicted to be tolerated by in silico analysis. Based on the available evidence, the clinical significance of this variant remains unclear.